The following is an entry in ClinVar:

ClinVar aggregate classification (germline): Uncertain significance. Review status: criteria provided, multiple submitters, no conflicts (2 of 4 stars). 2 submissions from 2 submitters: Uncertain significance (2). Last evaluated 2024-06-08.

Conditions:
Severe combined immunodeficiency due to DNA-PKcs deficiency. Also called: IMMUNODEFICIENCY 26 WITH NEUROLOGIC ABNORMALITIES; Immunodeficiency 26 with or without neurologic abnormalities. Identifiers: Orphanet 317425, MedGen C4014833, MONDO:0014423, OMIM 615966.

Allele frequency attached by ClinVar (database versions not stated): ExAC 0.00001; TOPMed 0.00001; gnomAD 0.00003.
gnomAD v4.1: 5 of 1,613,064 alleles (0.00031%); highest among the groups gnomAD compares: Admixed American, 0.0067%; no homozygotes.

Submissions (2):

Ambry Genetics
Classification: Uncertain significance. Last evaluated: 2024-06-08. Review status: criteria provided, single submitter. Criteria: Ambry Variant Classification Scheme 2023. Collection method: clinical testing. Allele origin: germline.
Comment: The p.P3399L variant (also known as c.10196C>T), located in coding exon 72 of the PRKDC gene, results from a C to T substitution at nucleotide position 10196. The proline at codon 3399 is replaced by leucine, an amino acid with similar properties. This amino acid position is conserved. Based on the available evidence, the clinical significance of this variant remains unclear.

Labcorp Genetics (formerly Invitae), Labcorp
Classification: Uncertain significance for Severe combined immunodeficiency due to DNA-PKcs deficiency. Last evaluated: 2023-12-07. Review status: criteria provided, single submitter. Criteria: Invitae Variant Classification Sherloc (09022015). Collection method: clinical testing. Allele origin: germline.
Comment: This sequence change replaces proline, which is neutral and non-polar, with leucine, which is neutral and non-polar, at codon 3399 of the PRKDC protein (p.Pro3399Leu). This variant is not present in population databases (gnomAD no frequency). This variant has not been reported in the literature in individuals affected with PRKDC-related conditions. ClinVar contains an entry for this variant (Variation ID: 858188). Experimental studies and prediction algorithms are not available or were not evaluated, and the functional significance of this variant is currently unknown. In summary, the available evidence is currently insufficient to determine the role of this variant in disease. Therefore, it has been classified as a Variant of Uncertain Significance.

NM_006904.7(PRKDC):c.10196C>T (p.Pro3399Leu)

Gene: PRKDC (protein kinase, DNA-activated, catalytic subunit; minus strand). Cytogenetic location: 8q11.21.
Variant type: single nucleotide variant.
Coding change: c.10196C>T on transcript NM_006904.7 (MANE Select); coding-DNA position 10196, C replaced by T.
Protein change: p.Pro3399Leu; replaces proline 3399 with leucine.
Molecular consequence: missense variant.
Genome position (GRCh38, 1-based): chr8:47,799,311, G>A on the plus strand (C>T on the coding strand, the complement: PRKDC is on the minus strand). VCF-style: chr8-47799311-G-A. GRCh37 (hg19) VCF-style: chr8-48711872-G-A.
Other names: c.10196C>T, p.Pro3399Leu (NM_001081640.2); short protein forms P3399L.
Identifiers: ClinVar variation 858188 (VCV000858188.4), dbSNP rs751076981, ClinGen allele CA4739377.